The following is an entry in ClinVar:

NM_001080.3(ALDH5A1):c.562G>A (p.Ala188Thr)

Gene: ALDH5A1 (aldehyde dehydrogenase 5 family member A1; plus strand). Cytogenetic location: 6p22.3.
Variant type: single nucleotide variant.
Coding change: c.562G>A on transcript NM_001080.3 (MANE Select); coding-DNA position 562, G replaced by A.
Protein change: p.Ala188Thr; replaces alanine 188 with threonine.
Molecular consequence: missense variant.
Genome position (GRCh38, 1-based): chr6:24,503,386, G>A. VCF-style: chr6-24503386-G-A. GRCh37 (hg19) VCF-style: chr6-24503614-G-A.
Other names: c.562G>A, p.Ala188Thr (NM_001368954.1, NM_170740.1); short protein forms A188T.
Identifiers: ClinVar variation 1055945 (VCV001055945.9), dbSNP rs1287321413, ClinGen allele CA362969644.
Genomic context (GRCh38, chr6:24,503,386, plus strand): 5'-TCTGAGGAAGCCCGCCGTGTTTACGGAGACATTATCCACACCCCGGCAAAGGACAGGCGG[G>A]CCCTGGTCCTCAAGCAGCCCATAGGCGTGGCTGCAGTCATCACCCCGGTAGGTGACAGGA-3'
Protein context (NP_001071.1, residues 178-198): IIHTPAKDRR[Ala188Thr]LVLKQPIGVA

ClinVar aggregate classification (germline): Uncertain significance (1 of 4 stars; one submission).

Conditions:
Succinate-semialdehyde dehydrogenase deficiency (SSADHD). Also called: Succinic Semialdehyde Dehydrogenase Deficiency; SSADH DEFICIENCY; GABA METABOLIC DEFECT; 4-HYDROXYBUTYRIC ACIDURIA. Identifiers: Orphanet 22, MedGen C0268631, MONDO:0010083, OMIM 271980.

Submission:

Labcorp Genetics (formerly Invitae), Labcorp
Classification: Uncertain significance for Succinate-semialdehyde dehydrogenase deficiency. Last evaluated: 2020-05-12. Review status: criteria provided, single submitter. Criteria: Invitae Variant Classification Sherloc (09022015). Collection method: clinical testing. Allele origin: germline.
Comment: This sequence change replaces alanine with threonine at codon 188 of the ALDH5A1 protein (p.Ala188Thr). The alanine residue is weakly conserved and there is a small physicochemical difference between alanine and threonine. In summary, the available evidence is currently insufficient to determine the role of this variant in disease. Therefore, it has been classified as a Variant of Uncertain Significance. Algorithms developed to predict the effect of missense changes on protein structure and function (SIFT, PolyPhen-2, Align-GVGD) all suggest that this variant is likely to be tolerated, but these predictions have not been confirmed by published functional studies and their clinical significance is uncertain. This variant has not been reported in the literature in individuals with ALDH5A1-related conditions. This variant is not present in population databases (ExAC no frequency).